The following is an entry in ClinVar:

ClinVar aggregate classification (germline): Pathogenic. Review status: reviewed by expert panel (3 of 4 stars). 2 submissions from 2 submitters: Pathogenic (1). 1 of the submissions does not count toward it. Last evaluated 2016-10-18.

Conditions:
Breast-ovarian cancer, familial, susceptibility to, 1 (BROVCA1). Also called: BRCA1 Hereditary Breast and Ovarian Cancer; OVARIAN CANCER, SUSCEPTIBILITY TO. Identifiers: Orphanet 145, MedGen C2676676, MONDO:0011450, OMIM 604370. Disease mechanism: loss of function.

Submissions (2):

Evidence-based Network for the Interpretation of Germline Mutant Alleles (ENIGMA)
Classification: Pathogenic for Breast-ovarian cancer, familial, susceptibility to, 1. Last evaluated: 2016-10-18. Review status: reviewed by expert panel. Criteria: ENIGMA BRCA1/2 Classification Criteria (2015). Collection method: curation. Allele origin: germline.
Comment: Variant allele predicted to encode a truncated non-functional protein.

Consortium of Investigators of Modifiers of BRCA1/2 (CIMBA), c/o University of Cambridge
Classification: Pathogenic for Breast-ovarian cancer, familial, susceptibility to, 1. Last evaluated: 2015-10-02. Review status: criteria provided, single submitter. Criteria: CIMBA Mutation Classification guidelines May 2016. Collection method: clinical testing. Allele origin: germline. Not counted in ClinVar's aggregate classification.

NM_007294.4(BRCA1):c.69dup (p.Cys24fs)

Gene: BRCA1 (BRCA1 DNA repair associated; minus strand). Cytogenetic location: 17q21.31.
Variant type: Duplication.
Coding change: c.69dup on transcript NM_007294.4 (MANE Select); coding-DNA position 69, one base duplicated (G; older notation c.69dupG).
Protein change: p.Cys24fs; shifts the reading frame from cysteine 24.
Molecular consequence: frameshift variant. On other transcripts: 5 prime UTR variant (1), non-coding transcript variant (1).
Genome position (GRCh38, 1-based): chr17:43,124,028, C duplicated on the plus strand (G on the coding strand, the reverse complement: BRCA1 is on the minus strand). VCF-style (leftmost placement, unchanged base first): chr17-43124027-A-AC. GRCh37 (hg19) VCF-style: chr17-41276044-A-AC.
Other names: 188insG; c.69dup, p.Cys24Valfs (NM_001407874.1, NM_001407875.1, NM_001407919.1 and 191 more transcripts); c.-120dup (NM_001407879.1, NM_001407882.1, NM_001407884.1 and 46 more transcripts); c.-66dup (NM_001407881.1, NM_001407898.1, NM_001407902.1); c.-236dup (NM_001407889.1, NM_001408492.1); c.-239dup (NM_001407917.1, NM_001407954.1, NM_001408513.1); c.-218dup (NM_001407920.1, NM_001407697.1, NM_001407846.1); c.-192dup (NM_001407921.1, NM_001407923.1, NM_001407927.1 and 22 more transcripts); and 10 more; short protein forms C24fs.
Identifiers: ClinVar variation 266569 (VCV000266569.6), dbSNP rs1555600893, ClinGen allele CA10590042.